The following is an entry in ClinVar:

ClinVar aggregate classification (germline): Pathogenic. Review status: criteria provided, single submitter (1 of 4 stars). 2 submissions from 2 submitters: Pathogenic (1). 1 of the submissions does not count toward it. Last evaluated 2019-09-13.

Conditions:
Focal segmental glomerulosclerosis 5 (FSGS5). Identifiers: Orphanet 656, MedGen C2750475, MONDO:0013191, OMIM 613237.
Charcot-Marie-Tooth disease dominant intermediate E. Also called: CHARCOT-MARIE-TOOTH NEUROPATHY WITH FOCAL SEGMENTAL GLOMERULONEPHRITIS. Identifiers: Orphanet 93114, MedGen C4302667, MONDO:0013758, OMIM 614455.
Charcot-Marie-Tooth disease. Also called: Charcot-Marie-Tooth Hereditary Neuropathy; Charcot-Marie-Tooth Neuropathy. Identifiers: Orphanet 166, MedGen C0007959, MONDO:0015626.

Submissions (2):

Labcorp Genetics (formerly Invitae), Labcorp
Classification: Pathogenic for Charcot-Marie-Tooth disease dominant intermediate E; Focal segmental glomerulosclerosis 5. Last evaluated: 2019-09-13. Review status: criteria provided, single submitter. Criteria: Invitae Variant Classification Sherloc (09022015). Collection method: clinical testing. Allele origin: germline.
Comment: For these reasons, this variant has been classified as Pathogenic. This variant disrupts the p.Leu57 amino acid residue in INF2. Other variant(s) that disrupt this residue have been observed in individuals with INF2-related conditions (PMID: 25676889), which suggests that this may be a clinically significant amino acid residue. Algorithms developed to predict the effect of missense changes on protein structure and function are either unavailable or do not agree on the potential impact of this missense change (SIFT: "Deleterious"; PolyPhen-2: "Probably Damaging"; Align-GVGD: "Class C0"). This variant has been observed to be de novo in individuals with clinical features of Charcot-Marie-Tooth disease (PMID: 22187985, Invitae). This variant is not present in population databases (ExAC no frequency). This sequence change replaces leucine with proline at codon 57 of the INF2 protein (p.Leu57Pro). The leucine residue is highly conserved and there is a moderate physicochemical difference between leucine and proline.

Inherited Neuropathy Consortium
Classification: Uncertain significance for Charcot-Marie-Tooth disease. Review status: no assertion criteria provided. Collection method: literature only. Allele origin: germline. Affected: yes. Not counted in ClinVar's aggregate classification.

Literature cited by the submitters: PubMed 25676889 (cited by Labcorp Genetics (formerly Invitae), Labcorp); PubMed 22187985 (cited by Labcorp Genetics (formerly Invitae), Labcorp and Inherited Neuropathy Consortium).

NM_022489.4(INF2):c.170T>C (p.Leu57Pro)

Gene: INF2 (inverted formin 2; plus strand). Cytogenetic location: 14q32.33.
Variant type: single nucleotide variant.
Coding change: c.170T>C on transcript NM_022489.4 (MANE Select); coding-DNA position 170, T replaced by C.
Protein change: p.Leu57Pro; replaces leucine 57 with proline.
Molecular consequence: missense variant.
Genome position (GRCh38, 1-based): chr14:104,701,535, T>C. VCF-style: chr14-104701535-T-C. GRCh37 (hg19) VCF-style: chr14-105167872-T-C.
Other names: c.170T>C, p.Leu57Pro (NM_001031714.4, NM_032714.3); short protein forms L57P.
Identifiers: ClinVar variation 637700 (VCV000637700.10), dbSNP rs1595163736, ClinGen allele CA391225236.
Genomic context (GRCh38, chr14:104,701,535, plus strand): 5'-TGTGCATCCGGCTGCTCCAGATGCCCTCTGTGGTCAACTACTCCGGCCTGCGCAAGCGCC[T>C]GGAGGGCAGCGACGGCGGCTGGATGGTGCAGTTCCTGGAGCAGAGCGGCCTGGACCTGCT-3'
Protein context (NP_071934.3, residues 47-67): VVNYSGLRKR[Leu57Pro]EGSDGGWMVQ